The following is an entry in ClinVar:

ClinVar aggregate classification (germline): Uncertain significance (1 of 4 stars; one submission).

Submission:

Labcorp Genetics (formerly Invitae), Labcorp
Classification: Uncertain significance. Last evaluated: 2024-03-26. Review status: criteria provided, single submitter. Criteria: Invitae Variant Classification Sherloc (09022015). Collection method: clinical testing. Allele origin: germline.
Comment: This sequence change replaces glycine, which is neutral and non-polar, with valine, which is neutral and non-polar, at codon 1229 of the AUTS2 protein (p.Gly1229Val). Information on the frequency of this variant in the gnomAD database is not available, as this variant may be reported differently in the database. This variant has not been reported in the literature in individuals affected with AUTS2-related conditions. An algorithm developed to predict the effect of missense changes on protein structure and function (PolyPhen-2) suggests that this variant is likely to be tolerated. In summary, the available evidence is currently insufficient to determine the role of this variant in disease. Therefore, it has been classified as a Variant of Uncertain Significance.

NM_015570.4(AUTS2):c.3686_3687delinsTT (p.Gly1229Val)

Gene: AUTS2 (activator of transcription and developmental regulator AUTS2; plus strand). Cytogenetic location: 7q11.22.
Variant type: Indel.
Coding change: c.3686_3687delinsTT on transcript NM_015570.4 (MANE Select); coding-DNA positions 3686 to 3687, GC replaced by TT.
Protein change: p.Gly1229Val; replaces glycine 1229 with valine.
Molecular consequence: missense variant.
Genome position (GRCh38, 1-based): chr7:70,790,902-70,790,903, GC replaced by TT. VCF-style: chr7-70790902-GC-TT. GRCh37 (hg19) VCF-style: chr7-70255888-GC-TT.
Other names: c.3614_3615delinsTT, p.Gly1205Val (NM_001127231.3); short protein forms G1205V, G1229V.
Identifiers: ClinVar variation 3702439 (VCV003702439.2).